The following is an entry in ClinVar:

ClinVar aggregate classification (germline): Uncertain significance (1 of 4 stars; one submission).

Submission:

GeneDx
Classification: Uncertain significance. Last evaluated: 2024-04-29. Review status: criteria provided, single submitter. Criteria: GeneDx Variant Classification Process June 2021. Collection method: clinical testing. Allele origin: germline. Affected: yes.
Comment: Not observed at significant frequency in large population cohorts (gnomAD); In silico analysis indicates that this missense variant does not alter protein structure/function; Has not been previously published as pathogenic or benign to our knowledge

NM_016604.4(KDM3B):c.3475A>G (p.Thr1159Ala)

Gene: KDM3B (lysine demethylase 3B; plus strand). Cytogenetic location: 5q31.2.
Variant type: single nucleotide variant.
Coding change: c.3475A>G on transcript NM_016604.4 (MANE Select); coding-DNA position 3475, A replaced by G.
Protein change: p.Thr1159Ala; replaces threonine 1159 with alanine.
Molecular consequence: missense variant.
Genome position (GRCh38, 1-based): chr5:138,418,992, A>G. VCF-style: chr5-138418992-A-G. GRCh37 (hg19) VCF-style: chr5-137754681-A-G.
Other names: short protein forms T1159A.
Identifiers: ClinVar variation 3373239 (VCV003373239.1).
Genomic context (GRCh38, chr5:138,418,992, plus strand): 5'-TGTTGGCCTTCTGCATTTTAGCTTCCTAGCATAAACCCTAGTGCCTCTTCTGGAAACGAA[A>G]CTACCTTCTCTGGTGGAGGAGGACCGGCACCAGTAACAACTCCAGAGCCGGACCATGTTC-3'
Protein context (NP_057688.3, residues 1149-1169): INPSASSGNE[Thr1159Ala]TFSGGGGPAP